The following is an entry in ClinVar:

ClinVar aggregate classification (germline): Likely benign. Review status: criteria provided, multiple submitters, no conflicts (2 of 4 stars). 2 submissions from 2 submitters: Likely benign (2). Last evaluated 2025-02-06.

Conditions:
COL1A2-related disorder. Also called: COL1A2-Related Disorders; COL1A2-related condition.
Ehlers-Danlos syndrome, classic type, 1 (EDSCL1). Also called: EHLERS-DANLOS SYNDROME, GRAVIS TYPE; EHLERS-DANLOS SYNDROME, SEVERE CLASSIC TYPE; Ehlers-Danlos syndrome, type 1; Ehlers-Danlos Syndrome, Classic Type, COL5A1-Related; EDS I. Identifiers: MedGen C0268335, MONDO:0019567, OMIM 130000.
Osteogenesis imperfecta type I (OI1). Also called: Osteogenesis imperfecta type 1; Lobstein's Disease; Classic Non-deforming Osteogenesis Imperfecta with Blue Sclerae; Lobstein disease; OI, TYPE I; OSTEOGENESIS IMPERFECTA TARDA. Identifiers: Orphanet 216796, Orphanet 666, MedGen C0023931, MONDO:0008146, OMIM 166200. Disease mechanism: loss of function.

Submissions (2):

PreventionGenetics, part of Exact Sciences
Classification: Likely benign for COL1A2-related condition. Last evaluated: 2025-02-06. Review status: criteria provided, single submitter. Criteria: ACMG Guidelines, 2015. Collection method: clinical testing. Allele origin: germline.
Comment: This variant is classified as likely benign based on ACMG/AMP sequence variant interpretation guidelines (Richards et al. 2015 PMID: 25741868, with internal and published modifications).

Labcorp Genetics (formerly Invitae), Labcorp
Classification: Likely benign for Osteogenesis imperfecta type I; Ehlers-Danlos syndrome, classic type, 1. Last evaluated: 2024-03-11. Review status: criteria provided, single submitter. Criteria: Invitae Variant Classification Sherloc (09022015). Collection method: clinical testing. Allele origin: germline.

NM_000089.4(COL1A2):c.1405-10_1405-9del

Gene: COL1A2 (collagen type I alpha 2 chain; plus strand). Cytogenetic location: 7q21.3.
Variant type: Microsatellite.
Coding change: c.1405-10_1405-9del on transcript NM_000089.4 (MANE Select); 10 bases into the intron before coding-DNA position 1405 through 9 bases into the intron before coding-DNA position 1405, 2 bases deleted (CT; older notation c.1405-10_1405-9delCT).
Molecular consequence: intron variant.
Genome position (GRCh38, 1-based): chr7:94,412,574-94,412,575, CT deleted; deleting any 2 consecutive bases within chr7:94,412,572-94,412,575 gives the same sequence; the c. name uses the placement nearest the transcript's 3' end. VCF-style (leftmost placement, unchanged base first): chr7-94412571-ACT-A. GRCh37 (hg19) VCF-style: chr7-94041883-ACT-A.
Other names: c.1405-10_1405-9delCT (NM_000089.3).
Identifiers: ClinVar variation 1417700 (VCV001417700.7), dbSNP rs778910090, ClinGen allele CA4347049.
Genomic context (GRCh38, chr7:94,412,571, plus strand): 5'-GTGGCAGCATCATAAGCTTGAGGTTGTGAGAATATGTTGACACTGAGTAAACTTGAAATA[ACT>A]CTGCTTTCAGGGCCTCCCTGGCATCGACGGCAGGCCTGGCCCAATTGGCCCAGCTGGAGC-3'